The following is an entry in ClinVar:

ClinVar aggregate classification (germline): Uncertain significance (1 of 4 stars; one submission).

Submission:

GeneDx
Classification: Uncertain significance. Last evaluated: 2026-02-04. Review status: criteria provided, single submitter. Criteria: GeneDx Variant Classification Process June 2021. Collection method: clinical testing. Allele origin: germline.
Comment: Not observed at significant frequency in large population cohorts (gnomAD); In silico analysis supports that this missense variant has a deleterious effect on protein structure/function; Has not been previously published as pathogenic or benign to our knowledge

NM_032656.4(DHX37):c.3106C>G (p.Arg1036Gly)

Gene: DHX37 (DEAH-box helicase 37; minus strand). Cytogenetic location: 12q24.31.
Variant type: single nucleotide variant.
Coding change: c.3106C>G on transcript NM_032656.4 (MANE Select); coding-DNA position 3106, C replaced by G.
Protein change: p.Arg1036Gly; replaces arginine 1036 with glycine.
Molecular consequence: missense variant.
Genome position (GRCh38, 1-based): chr12:124,950,428, G>C on the plus strand (C>G on the coding strand, the complement: DHX37 is on the minus strand). VCF-style: chr12-124950428-G-C. GRCh37 (hg19) VCF-style: chr12-125434974-G-C.
Other names: short protein forms R1036G.
Identifiers: ClinVar variation 4975585 (VCV004975585.1).